The following is an entry in ClinVar:

NM_004385.5(VCAN):c.3794A>G (p.Asp1265Gly)

Gene: VCAN (versican; plus strand). Cytogenetic location: 5q14.3.
Variant type: single nucleotide variant.
Coding change: c.3794A>G on transcript NM_004385.5 (MANE Select); coding-DNA position 3794, A replaced by G.
Protein change: p.Asp1265Gly; replaces aspartic acid 1265 with glycine.
Molecular consequence: missense variant. On other transcripts: intron variant (2).
Genome position (GRCh38, 1-based): chr5:83,522,100, A>G. VCF-style: chr5-83522100-A-G. GRCh37 (hg19) VCF-style: chr5-82817919-A-G.
Other names: c.3794A>G, p.Asp1265Gly (NM_001164098.2); c.1042+9704A>G (NM_001164097.2, NM_001126336.3); short protein forms D1265G.
Identifiers: ClinVar variation 3701905 (VCV003701905.2).

ClinVar aggregate classification (germline): Uncertain significance (1 of 4 stars; one submission).

gnomAD v4.1: 5 of 1,614,064 alleles (0.00031%); highest among the groups gnomAD compares: African/African-American, 0.004%; no homozygotes.

Submission:

Labcorp Genetics (formerly Invitae), Labcorp
Classification: Uncertain significance. Last evaluated: 2024-12-31. Review status: criteria provided, single submitter. Criteria: Invitae Variant Classification Sherloc (09022015). Collection method: clinical testing. Allele origin: germline.
Comment: This sequence change replaces aspartic acid, which is acidic and polar, with glycine, which is neutral and non-polar, at codon 1265 of the VCAN protein (p.Asp1265Gly). This variant is present in population databases (no rsID available, gnomAD 0.01%). This variant has not been reported in the literature in individuals affected with VCAN-related conditions. An algorithm developed to predict the effect of missense changes on protein structure and function (PolyPhen-2) suggests that this variant is likely to be disruptive. In summary, the available evidence is currently insufficient to determine the role of this variant in disease. Therefore, it has been classified as a Variant of Uncertain Significance.